The following is an entry in ClinVar:

ClinVar aggregate classification (germline): Benign/Likely benign. Review status: criteria provided, multiple submitters, no conflicts (2 of 4 stars). 14 submissions from 14 submitters: Benign (5); Likely benign (4). 5 of the submissions do not count toward it. Last evaluated 2026-07-01.

Conditions:
CYP27A1-related disorder. Also called: CYP27A1-related condition.
Cardiovascular phenotype. Identifiers: MedGen CN230736.
Cholestanol storage disease (CTX). Also called: CTX: Cerebrotendinous xanthomatosis; CEREBRAL CHOLESTERINOSIS; Cerebrotendinous Xanthomatosis. Identifiers: Orphanet 909, MedGen C0238052, MONDO:0008948, OMIM 213700.

Allele frequency attached by ClinVar (database versions not stated): 1000 Genomes Project 0.00120; ESP Exome Variant Server 0.00138; 1000 Genomes Project 30x 0.00141; TOPMed 0.00154.
gnomAD v4.1: 4,784 of 1,614,054 alleles (0.3%); highest among the groups gnomAD compares: Admixed American, 0.27%; 17 homozygotes.

Submissions (14):

CeGaT Center for Human Genetics Tuebingen
Classification: Likely benign. Last evaluated: 2026-07-01. Review status: criteria provided, single submitter. Criteria: CeGaT Center For Human Genetics Tuebingen Variant Classification Criteria Version 2. Collection method: clinical testing. Allele origin: germline. Affected: yes. Observed: 11 variant alleles.
Comment: CYP27A1: BP4, BS2

Labcorp Genetics (formerly Invitae), Labcorp
Classification: Benign for Cholestanol storage disease. Last evaluated: 2026-02-03. Review status: criteria provided, single submitter. Criteria: Invitae Variant Classification Sherloc (09022015). Collection method: clinical testing. Allele origin: germline.

Ambry Genetics
Classification: Benign for Cardiovascular phenotype. Last evaluated: 2023-09-07. Review status: criteria provided, single submitter. Criteria: Ambry Variant Classification Scheme 2023. Collection method: clinical testing. Allele origin: germline.

GeneDx
Classification: Likely benign. Last evaluated: 2021-02-09. Review status: criteria provided, single submitter. Criteria: GeneDx Variant Classification Process June 2021. Collection method: clinical testing. Allele origin: germline. Affected: yes.

Athena Diagnostics
Classification: Benign. Last evaluated: 2018-05-15. Review status: criteria provided, single submitter. Criteria: Athena Diagnostics Criteria. Collection method: clinical testing. Allele origin: germline.

Illumina Laboratory Services, Illumina
Classification: Likely benign for Cholestanol storage disease. Last evaluated: 2017-04-27. Review status: criteria provided, single submitter. Criteria: ICSL Variant Classification Criteria 13 December 2019. Collection method: clinical testing. Allele origin: germline.
Comment: This variant was observed as part of a predisposition screen in an ostensibly healthy population. A literature search was performed for the gene, cDNA change, and amino acid change (where applicable). Publications were found based on this search. The evidence from the literature, in combination with allele frequency data from public databases where available, was sufficient to determine this variant is unlikely to cause disease. Therefore, this variant is classified as likely benign.

Mayo Clinic Laboratories, Mayo Clinic
Classification: Benign. Last evaluated: 2016-08-11. Review status: criteria provided, single submitter. Criteria: ACMG Guidelines, 2015. Collection method: clinical testing. Allele origin: germline. Observed: 15 variant alleles.

Clinical Genetics DNA and cytogenetics Diagnostics Lab, Erasmus MC, Erasmus Medical Center
Classification: Likely benign for Cholestanol storage disease. Last evaluated: 2016-03-02. Review status: criteria provided, single submitter. Criteria: ACGS Guidelines, 2013. Collection method: clinical testing. Allele origin: germline. Affected: yes. Study: VKGL Data-share Consensus.

Eurofins Ntd Llc (ga)
Classification: Benign. Last evaluated: 2015-08-26. Review status: criteria provided, single submitter. Criteria: EGL Classification Definitions 2015. Collection method: clinical testing. Allele origin: germline. Observed: 1 variant allele, 1 heterozygote.

Natera, Inc.
Classification: Likely benign for Cerebrotendinous xanthomatosis. Last evaluated: 2020-06-12. Review status: no assertion criteria provided. Collection method: clinical testing. Allele origin: germline. Not counted in ClinVar's aggregate classification.

PreventionGenetics, part of Exact Sciences
Classification: Benign for CYP27A1-related condition. Last evaluated: 2019-05-10. Review status: no assertion criteria provided. Collection method: clinical testing. Allele origin: germline. Not counted in ClinVar's aggregate classification.
Comment: This variant is classified as benign based on ACMG/AMP sequence variant interpretation guidelines (Richards et al. 2015 PMID: 25741868, with internal and published modifications).

Clinical Genetics, Academic Medical Center
Classification: Benign. Review status: no assertion criteria provided. Collection method: clinical testing. Allele origin: germline. Affected: yes. Study: VKGL Data-share Consensus. Not counted in ClinVar's aggregate classification.

Diagnostic Laboratory, Department of Genetics, University Medical Center Groningen
Classification: Benign for Cholestanol storage disease. Review status: no assertion criteria provided. Collection method: clinical testing. Allele origin: germline. Affected: yes. Study: VKGL Data-share Consensus. Not counted in ClinVar's aggregate classification.

Laboratory of Diagnostic Genome Analysis, Leiden University Medical Center (LUMC)
Classification: Likely benign. Review status: no assertion criteria provided. Collection method: clinical testing. Allele origin: germline. Affected: yes. Study: VKGL Data-share Consensus. Not counted in ClinVar's aggregate classification.

Literature cited by the submitters: PubMed 24584636 (cited by Illumina Laboratory Services, Illumina).

NM_000784.4(CYP27A1):c.1471G>T (p.Ala491Ser)

Gene: CYP27A1 (cytochrome P450 family 27 subfamily A member 1; plus strand). Cytogenetic location: 2q35.
Variant type: single nucleotide variant.
Coding change: c.1471G>T on transcript NM_000784.4 (MANE Select); coding-DNA position 1471, G replaced by T.
Protein change: p.Ala491Ser; replaces alanine 491 with serine.
Molecular consequence: missense variant.
Genome position (GRCh38, 1-based): chr2:218,814,752, G>T. VCF-style: chr2-218814752-G-T. GRCh37 (hg19) VCF-style: chr2-219679475-G-T.
Other names: p.Ala491Ser; short protein forms A491S.
Identifiers: ClinVar variation 282791 (VCV000282791.70), dbSNP rs72551323, ClinGen allele CA2112901.